The following is an entry in ClinVar:

NM_012309.5(SHANK2):c.3156C>G (p.Ser1052Arg)

Gene: SHANK2 (SH3 and multiple ankyrin repeat domains 2; minus strand). Cytogenetic location: 11q13.3.
Variant type: single nucleotide variant.
Coding change: c.3156C>G on transcript NM_012309.5 (MANE Select); coding-DNA position 3156, C replaced by G.
Protein change: p.Ser1052Arg; replaces serine 1052 with arginine.
Molecular consequence: missense variant.
Genome position (GRCh38, 1-based): chr11:70,487,137, G>C on the plus strand (C>G on the coding strand, the complement: SHANK2 is on the minus strand). VCF-style: chr11-70487137-G-C. GRCh37 (hg19) VCF-style: chr11-70333242-G-C.
Other names: c.2019C>G, p.Ser673Arg (NM_001379226.1); c.1392C>G, p.Ser464Arg (NM_133266.5); short protein forms S1052R, S464R, S673R.
Identifiers: ClinVar variation 3041654 (VCV003041654.1), dbSNP rs2495510022, ClinGen allele CA381687455.

ClinVar aggregate classification (germline): Benign (1 of 4 stars; one submission).

Conditions:
SHANK2-related disorder.

Submission:

PreventionGenetics, part of Exact Sciences
Classification: Benign for SHANK2-related condition. Last evaluated: 2023-04-25. Review status: criteria provided, single submitter. Criteria: ACMG Guidelines, 2015. Collection method: clinical testing. Allele origin: germline.
Comment: This variant is classified as benign based on ACMG/AMP sequence variant interpretation guidelines (Richards et al. 2015 PMID: 25741868, with internal and published modifications).